The following is an entry in ClinVar:

ClinVar aggregate classification (germline): Benign (1 of 4 stars; one submission).

Allele frequency attached by ClinVar (database versions not stated): gnomAD 0.63868 and 0.64218; TOPMed 0.65685; 1000 Genomes Project 30x 0.72548; 1000 Genomes Project 0.72843.
gnomAD v4.1: 531,258 of 901,372 alleles (59%); highest among the groups gnomAD compares: East Asian, 86%; 160,656 homozygotes.

Submission:

GeneDx
Classification: Benign. Last evaluated: 2018-06-14. Review status: criteria provided, single submitter. Criteria: GeneDx Variant Classification (06012015). Collection method: clinical testing. Allele origin: germline. Affected: yes.
Comment: This variant is considered likely benign or benign based on one or more of the following criteria: it is a conservative change, it occurs at a poorly conserved position in the protein, it is predicted to be benign by multiple in silico algorithms, and/or has population frequency not consistent with disease.

NM_032119.4(ADGRV1):c.12121-121T>A

Gene: ADGRV1 (adhesion G protein-coupled receptor V1; plus strand). Cytogenetic location: 5q14.3.
Variant type: single nucleotide variant.
Coding change: c.12121-121T>A on transcript NM_032119.4 (MANE Select); 121 bases into the intron before coding-DNA position 12121, T replaced by A.
Molecular consequence: intron variant.
Genome position (GRCh38, 1-based): chr5:90,763,184, T>A. VCF-style: chr5-90763184-T-A. GRCh37 (hg19) VCF-style: chr5-90059001-T-A.
Identifiers: ClinVar variation 678807 (VCV000678807.1), dbSNP rs881289, ClinGen allele CA122800353.